The following is an entry in ClinVar:

ClinVar aggregate classification (germline): Uncertain significance (0 of 4 stars; one submission).

Conditions:
MAP1B-related disorder. Also called: MAP1B-related condition.

Submission:

PreventionGenetics, part of Exact Sciences
Classification: Uncertain significance for MAP1B-related condition. Last evaluated: 2023-12-26. Review status: no assertion criteria provided. Collection method: clinical testing. Allele origin: germline.
Comment: The MAP1B c.1049T>A variant is predicted to result in the amino acid substitution p.Ile350Asn. To our knowledge, this variant has not been reported in the literature or in a large population database, indicating this variant is rare. At this time, the clinical significance of this variant is uncertain due to the absence of conclusive functional and genetic evidence.

NM_005909.5(MAP1B):c.1049T>A (p.Ile350Asn)

Gene: MAP1B (microtubule associated protein 1B; plus strand). Cytogenetic location: 5q13.2.
Variant type: single nucleotide variant.
Coding change: c.1049T>A on transcript NM_005909.5 (MANE Select); coding-DNA position 1049, T replaced by A.
Protein change: p.Ile350Asn; replaces isoleucine 350 with asparagine.
Molecular consequence: missense variant.
Genome position (GRCh38, 1-based): chr5:72,194,404, T>A. VCF-style: chr5-72194404-T-A. GRCh37 (hg19) VCF-style: chr5-71490231-T-A.
Other names: c.671T>A, p.Ile224Asn (NM_001324255.2); short protein forms I224N, I350N.
Identifiers: ClinVar variation 3046406 (VCV003046406.2), dbSNP rs2478567139, ClinGen allele CA359996166.
Genomic context (GRCh38, chr5:72,194,404, plus strand): 5'-AGCTCGAGGAAGAACAGTCCCAGGGCTCCACCACAAATAGTGACTGGATGAAAAACCTCA[T>A]CTCCCCTGACTTAGGAGTTGTATTTCTCAATGTACCTGAAAATCTCAAAAATCCAGAGCC-3'
Protein context (NP_005900.2, residues 340-360): TTNSDWMKNL[Ile350Asn]SPDLGVVFLN